The following is an entry in ClinVar:

ClinVar aggregate classification (germline): Likely benign. Review status: criteria provided, multiple submitters, no conflicts (2 of 4 stars). 3 submissions from 3 submitters: Likely benign (3). Last evaluated 2026-01-05.

Conditions:
Cardiovascular phenotype. Identifiers: MedGen CN230736.
Dilated cardiomyopathy 1G (CMD1G). Identifiers: Orphanet 154, MedGen C1858763, MONDO:0011400, OMIM 604145.
Autosomal recessive limb-girdle muscular dystrophy type 2J (LGMDR10). Also called: MUSCULAR DYSTROPHY, LIMB-GIRDLE, AUTOSOMAL RECESSIVE 10; Limb-girdle muscular dystrophy, type 2J. Identifiers: Orphanet 140922, MedGen C1837342, MONDO:0012127, OMIM 608807.

Allele frequency attached by ClinVar (database versions not stated): gnomAD exomes below 0.00001; gnomAD 0.00001; TOPMed 0.00002.
gnomAD v4.1: 4 of 1,611,790 alleles (0.00025%); highest among the groups gnomAD compares: Non-Finnish European, 0.00025%; no homozygotes.

Submissions (3):

Labcorp Genetics (formerly Invitae), Labcorp
Classification: Likely benign for Dilated cardiomyopathy 1G; Autosomal recessive limb-girdle muscular dystrophy type 2J. Last evaluated: 2026-01-05. Review status: criteria provided, single submitter. Criteria: Invitae Variant Classification Sherloc (09022015). Collection method: clinical testing. Allele origin: germline.

Ambry Genetics
Classification: Likely benign for Cardiovascular phenotype. Last evaluated: 2021-02-11. Review status: criteria provided, single submitter. Criteria: Ambry Variant Classification Scheme 2023. Collection method: clinical testing. Allele origin: germline.

GeneDx
Classification: Likely benign. Last evaluated: 2016-07-08. Review status: criteria provided, single submitter. Criteria: GeneDx Variant Classification (06012015). Collection method: clinical testing. Allele origin: germline. Affected: yes.
Comment: This variant is considered likely benign or benign based on one or more of the following criteria: it is a conservative change, it occurs at a poorly conserved position in the protein, it is predicted to be benign by multiple in silico algorithms, and/or has population frequency not consistent with disease.

NM_001267550.2(TTN):c.46677A>G (p.Arg15559=)

Genes: TTN (titin; minus strand), TTN-AS1 (TTN antisense RNA 1; plus strand). Cytogenetic location: 2q31.2.
Variant type: single nucleotide variant.
Coding change: c.46677A>G on transcript NM_001267550.2 (MANE Select); coding-DNA position 46677, A replaced by G.
Protein change: p.Arg15559=; no amino-acid change (arginine 15559 retained).
Molecular consequence: synonymous variant.
Genome position (GRCh38, 1-based): chr2:178,619,640, T>C on the plus strand (A>G on the coding strand, the complement: TTN is on the minus strand). VCF-style: chr2-178619640-T-C. GRCh37 (hg19) VCF-style: chr2-179484367-T-C.
Other names: c.41754A>G, p.Arg13918= (NM_001256850.1); c.19482A>G, p.Arg6494= (NM_003319.4); c.38973A>G, p.Arg12991= (NM_133378.4); c.19857A>G, p.Arg6619= (NM_133432.3); c.20058A>G, p.Arg6686= (NM_133437.4).
Identifiers: ClinVar variation 386993 (VCV000386993.12), dbSNP rs1057522659, ClinGen allele CA16603913.